The following is an entry in ClinVar:

ClinVar aggregate classification (germline): Uncertain significance (1 of 4 stars; one submission).

Allele frequency attached by ClinVar (database versions not stated): gnomAD exomes below 0.00001.
gnomAD v4.1: 1 of 1,550,558 alleles (0.000064%); highest among the groups gnomAD compares: Non-Finnish European, 0.000087%; no homozygotes.

Submission:

Labcorp Genetics (formerly Invitae), Labcorp
Classification: Uncertain significance. Last evaluated: 2023-02-14. Review status: criteria provided, single submitter. Criteria: Invitae Variant Classification Sherloc (09022015). Collection method: clinical testing. Allele origin: germline.
Comment: This sequence change replaces histidine, which is basic and polar, with glutamine, which is neutral and polar, at codon 122 of the OTOG protein (p.His122Gln). This variant is present in population databases (no rsID available, gnomAD 0.002%). This variant has not been reported in the literature in individuals affected with OTOG-related conditions. An algorithm developed to predict the effect of missense changes on protein structure and function (PolyPhen-2) suggests that this variant is likely to be tolerated. In summary, the available evidence is currently insufficient to determine the role of this variant in disease. Therefore, it has been classified as a Variant of Uncertain Significance.

NM_001292063.2(OTOG):c.330C>A (p.His110Gln)

Gene: OTOG (otogelin; plus strand). Cytogenetic location: 11p15.1.
Variant type: single nucleotide variant.
Coding change: c.330C>A on transcript NM_001292063.2 (MANE Select); coding-DNA position 330, C replaced by A.
Protein change: p.His110Gln; replaces histidine 110 with glutamine.
Molecular consequence: missense variant.
Genome position (GRCh38, 1-based): chr11:17,553,156, C>A. VCF-style: chr11-17553156-C-A. GRCh37 (hg19) VCF-style: chr11-17574703-C-A.
Other names: c.366C>A, p.His122Gln (NM_001277269.2); short protein forms H110Q, H122Q.
Identifiers: ClinVar variation 2837506 (VCV002837506.3), dbSNP rs1449133113, ClinGen allele CA379810628.
Genomic context (GRCh38, chr11:17,553,156, plus strand): 5'-ATGACTCTGTGTCTCCCATGCAGACTTGTTCTCCTGCTTCAATGGAGGCGAGTGTGTGCA[C>A]CCAGCCTTCTGTGACTGCAGACGCTTCAATGCCACTGGACCGCGCTGCCAGATGGGTGGG-3'
Protein context (NP_001278992.1, residues 100-120): FSCFNGGECV[His110Gln]PAFCDCRRFN